The following is an entry in ClinVar:

NM_014244.5(ADAMTS2):c.748G>A (p.Ala250Thr)

Gene: ADAMTS2 (ADAM metallopeptidase with thrombospondin type 1 motif 2; minus strand). Cytogenetic location: 5q35.3.
Variant type: single nucleotide variant.
Coding change: c.748G>A on transcript NM_014244.5 (MANE Select); coding-DNA position 748, G replaced by A.
Protein change: p.Ala250Thr; replaces alanine 250 with threonine.
Molecular consequence: missense variant.
Genome position (GRCh38, 1-based): chr5:179,207,656, C>T on the plus strand (G>A on the coding strand, the complement: ADAMTS2 is on the minus strand). VCF-style: chr5-179207656-C-T. GRCh37 (hg19) VCF-style: chr5-178634657-C-T.
Other names: p.Ala250Thr; c.748G>A, p.Ala250Thr (NM_021599.4); short protein forms A250T.
Identifiers: ClinVar variation 353133 (VCV000353133.66), dbSNP rs143764421, ClinGen allele CA3596177.
Genomic context (GRCh38, chr5:179,207,656, plus strand): 5'-CCTCGATGTTGTAGTCATCGTCCGCAGCATGCCTGCGTGCCCTCCGCCTCGAGCTGTTGG[C>T]GTGCTCCTCTAGGACGCCCAGGGCGCGGCTGAGGCTGTCCAGGCTGTCCAGGGAGGCCCC-3'
Protein context (NP_055059.2, residues 240-260): SRALGVLEEH[Ala250Thr]NSSRRRARRH

ClinVar aggregate classification (germline): Conflicting classifications of pathogenicity. Review status: criteria provided, conflicting classifications (1 of 4 stars). 10 submissions from 10 submitters: Uncertain significance (3); Likely benign (6). 1 of the submissions does not count toward it. Last evaluated 2026-04-01.

Conditions:
ADAMTS2-related disorder. Also called: ADAMTS2-related condition.
Ehlers-Danlos syndrome, dermatosparaxis type. Also called: EDS VIIC; Dermatosparaxis; Ehlers-Danlos syndrome, type VII, autosomal recessive. Identifiers: Orphanet 1901, MedGen C2700425, MONDO:0009161, OMIM 225410.
Ehlers-Danlos syndrome (EDS). Identifiers: Orphanet 98249, MedGen C0013720, MONDO:0020066.

Allele frequency attached by ClinVar (database versions not stated): ESP Exome Variant Server 0.00046; TOPMed 0.00054; gnomAD exomes 0.00065 and 0.00078; ExAC 0.00076; gnomAD 0.00102.
gnomAD v4.1: 1,058 of 1,613,538 alleles (0.066%); highest among the groups gnomAD compares: Non-Finnish European, 0.061%; no homozygotes.

Submissions (10):

CeGaT Center for Human Genetics Tuebingen
Classification: Uncertain significance. Last evaluated: 2026-04-01. Review status: criteria provided, single submitter. Criteria: CeGaT Center For Human Genetics Tuebingen Variant Classification Criteria Version 2. Collection method: clinical testing. Allele origin: germline. Affected: yes. Observed: 6 variant alleles.
Comment: ADAMTS2: PM2, BP4

Women's Health and Genetics/Laboratory Corporation of America, LabCorp
Classification: Likely benign. Last evaluated: 2026-02-02. Review status: criteria provided, single submitter. Criteria: LabCorp Variant Classification Summary - May 2015. Collection method: clinical testing. Allele origin: germline.
Comment: Variant summary: ADAMTS2 c.748G>A (p.Ala250Thr) results in a non-conservative amino acid change in the encoded protein sequence. Algorithms developed to predict the effect of missense changes on protein structure and function are either unavailable or do not agree on the potential impact of this missense change. The variant allele was found at a frequency of 0.00081 in 282570 control chromosomes, predominantly at a frequency of 0.0045 within the Ashkenazi Jewish subpopulation in the gnomAD database. The observed variant frequency within Ashkenazi Jewish control individuals in the gnomAD database exceeds the estimated maximal expected allele frequency for disease-causing variants in ADAMTS2. To our knowledge, no occurrence of c.748G>A in individuals affected with ADAMTS2-related conditions and no experimental evidence demonstrating its impact on protein function have been reported. ClinVar contains an entry for this variant (Variation ID: 353133). Based on the evidence outlined above, the variant was classified as likely benign.

Labcorp Genetics (formerly Invitae), Labcorp
Classification: Likely benign for Ehlers-Danlos syndrome, dermatosparaxis type. Last evaluated: 2026-01-28. Review status: criteria provided, single submitter. Criteria: Invitae Variant Classification Sherloc (09022015). Collection method: clinical testing. Allele origin: germline.

PreventionGenetics, part of Exact Sciences
Classification: Likely benign for ADAMTS2-related condition. Last evaluated: 2025-05-06. Review status: criteria provided, single submitter. Criteria: ACMG Guidelines, 2015. Collection method: clinical testing. Allele origin: germline.
Comment: This variant is classified as likely benign based on ACMG/AMP sequence variant interpretation guidelines (Richards et al. 2015 PMID: 25741868, with internal and published modifications).

Blueprint Genetics
Classification: Likely benign. Last evaluated: 2024-11-08. Review status: criteria provided, single submitter. Criteria: ACMG Guidelines, 2015. Collection method: clinical testing. Allele origin: germline.

Mayo Clinic Laboratories, Mayo Clinic
Classification: Likely benign. Last evaluated: 2024-01-03. Review status: criteria provided, single submitter. Criteria: ACMG Guidelines, 2015. Collection method: clinical testing. Allele origin: germline. Observed: 5 variant alleles.
Comment: BS1, BP4_moderate

GeneDx
Classification: Likely benign. Last evaluated: 2020-09-17. Review status: criteria provided, single submitter. Criteria: GeneDx Variant Classification Process June 2021. Collection method: clinical testing. Allele origin: germline. Affected: yes.

Genome Diagnostics Laboratory, The Hospital for Sick Children
Classification: Uncertain significance for Ehlers-Danlos syndrome. Last evaluated: 2018-10-01. Review status: criteria provided, single submitter. Criteria: ACMG Guidelines, 2015. Collection method: clinical testing. Allele origin: germline.

Illumina Laboratory Services, Illumina
Classification: Uncertain significance for Ehlers-Danlos syndrome, dermatosparaxis type. Last evaluated: 2018-01-13. Review status: criteria provided, single submitter. Criteria: ICSL Variant Classification Criteria 13 December 2019. Collection method: clinical testing. Allele origin: germline.

Natera, Inc.
Classification: Likely benign for Ehlers-Danlos syndrome type VIIC. Last evaluated: 2020-01-07. Review status: no assertion criteria provided. Collection method: clinical testing. Allele origin: germline. Not counted in ClinVar's aggregate classification.